The following is an entry in ClinVar:

ClinVar aggregate classification (germline): Benign. Review status: criteria provided, multiple submitters, no conflicts (2 of 4 stars). 2 submissions from 2 submitters: Benign (2). Last evaluated 2018-01-12.

Conditions:
Dilated cardiomyopathy 1DD (CMD1DD). Identifiers: Orphanet 154, MedGen C2750995, MONDO:0013168, OMIM 613172.

Allele frequency attached by ClinVar (database versions not stated): gnomAD exomes 0.04675; gnomAD 0.05270 and 0.05637; TOPMed 0.06571; 1000 Genomes Project 30x 0.09400; 1000 Genomes Project 0.09844.

Submissions (2):

Illumina Laboratory Services, Illumina
Classification: Benign for Dilated cardiomyopathy 1DD. Last evaluated: 2018-01-12. Review status: criteria provided, single submitter. Criteria: ICSL Variant Classification Criteria 13 December 2019. Collection method: clinical testing. Allele origin: germline.
Comment: This variant was observed in the ICSL laboratory as part of a predisposition screen in an ostensibly healthy population. It had not been previously curated by ICSL or reported in the Human Gene Mutation Database (HGMD: prior to June 1st, 2018), and was therefore a candidate for classification through an automated scoring system. Utilizing variant allele frequency, disease prevalence and penetrance estimates, and inheritance mode, an automated score was calculated to assess if this variant is too frequent to cause the disease. Based on the score and internal cut-off values, a variant classified as benign is not then subjected to further curation. The score for this variant resulted in a classification of benign for this disease.

Breakthrough Genomics
Classification: Benign. Review status: criteria provided, single submitter. Criteria: ACMG Guidelines, 2015. Collection method: not provided. Allele origin: germline. Inheritance: Autosomal dominant inheritance. Affected: yes.

NM_001134363.3(RBM20):c.*448C>T

Gene: RBM20 (RNA binding motif protein 20; plus strand). Cytogenetic location: 10q25.2.
Variant type: single nucleotide variant.
Coding change: c.*448C>T on transcript NM_001134363.3 (MANE Select); 448 bases downstream of the stop codon, C replaced by T.
Molecular consequence: 3 prime UTR variant.
Genome position (GRCh38, 1-based): chr10:110,836,426, C>T. VCF-style: chr10-110836426-C-T. GRCh37 (hg19) VCF-style: chr10-112596184-C-T.
Other names: c.*448C>T (LRG_382t1).
Identifiers: ClinVar variation 298811 (VCV000298811.6), dbSNP rs79603535, ClinGen allele CA10634601.